The following is an entry in ClinVar:

ClinVar aggregate classification (germline): Uncertain significance. Review status: criteria provided, multiple submitters, no conflicts (2 of 4 stars). 2 submissions from 2 submitters: Uncertain significance (2). Last evaluated 2022-06-23.

Conditions:
Charcot-Marie-Tooth disease type 4. Also called: Charcot-Marie-Tooth disease, type IV; Charcot-Marie-Tooth, Type 4. Identifiers: Orphanet 64749, MedGen C4082197, MONDO:0018995.
Inborn genetic diseases. Identifiers: MedGen C0950123, MeSH D030342.

Allele frequency attached by ClinVar (database versions not stated): gnomAD exomes 0.00001; ExAC 0.00002; TOPMed 0.00002; gnomAD 0.00004; ESP Exome Variant Server 0.00008; 1000 Genomes Project 0.00020; 1000 Genomes Project 30x 0.00031.
gnomAD v4.1: 17 of 1,612,864 alleles (0.0011%); highest among the groups gnomAD compares: African/African-American, 0.019%; no homozygotes.

Submissions (2):

Labcorp Genetics (formerly Invitae), Labcorp
Classification: Uncertain significance for Charcot-Marie-Tooth disease type 4. Last evaluated: 2022-06-23. Review status: criteria provided, single submitter. Criteria: Invitae Variant Classification Sherloc (09022015). Collection method: clinical testing. Allele origin: germline.
Comment: This variant has not been reported in the literature in individuals affected with MTMR2-related conditions. In summary, the available evidence is currently insufficient to determine the role of this variant in disease. Therefore, it has been classified as a Variant of Uncertain Significance. Algorithms developed to predict the effect of missense changes on protein structure and function (SIFT, PolyPhen-2, Align-GVGD) all suggest that this variant is likely to be disruptive. This variant is present in population databases (rs147170889, gnomAD 0.03%). This sequence change replaces tyrosine, which is neutral and polar, with cysteine, which is neutral and slightly polar, at codon 556 of the MTMR2 protein (p.Tyr556Cys).

Ambry Genetics
Classification: Uncertain significance for Inborn genetic diseases. Last evaluated: 2021-08-02. Review status: criteria provided, single submitter. Criteria: Ambry Variant Classification Scheme 2023. Collection method: clinical testing. Allele origin: germline.

NM_016156.6(MTMR2):c.1667A>G (p.Tyr556Cys)

Gene: MTMR2 (myotubularin related protein 2; minus strand). Cytogenetic location: 11q21.
Variant type: single nucleotide variant.
Coding change: c.1667A>G on transcript NM_016156.6 (MANE Select); coding-DNA position 1667, A replaced by G.
Protein change: p.Tyr556Cys; replaces tyrosine 556 with cysteine.
Molecular consequence: missense variant.
Genome position (GRCh38, 1-based): chr11:95,836,251, T>C on the plus strand (A>G on the coding strand, the complement: MTMR2 is on the minus strand). VCF-style: chr11-95836251-T-C. GRCh37 (hg19) VCF-style: chr11-95569415-T-C.
Other names: c.1451A>G, p.Tyr484Cys (NM_001243571.2, NM_201278.3, NM_201281.3); short protein forms Y556C, Y484C.
Identifiers: ClinVar variation 1959779 (VCV001959779.4), dbSNP rs147170889, ClinGen allele CA6239903.
Genomic context (GRCh38, chr11:95,836,251, plus strand): 5'-CAGAGCTCTAGGTGGCGCATGCTGGCTACTGGATAAAGGACATGATTGGAATAGCTCCCA[T>C]AGAGAGGATTAGTGAAGTCTTCCAGCTGGCTGTTTATGTAAGACCACAGTGACACAGTCC-3'
Protein context (NP_057240.3, residues 546-566): SQLEDFTNPL[Tyr556Cys]GSYSNHVLYP